The following is an entry in ClinVar:

NM_002547.3(OPHN1):c.2008G>A (p.Val670Met)

Gene: OPHN1 (oligophrenin 1; minus strand). Cytogenetic location: Xq12.
Variant type: single nucleotide variant.
Coding change: c.2008G>A on transcript NM_002547.3 (MANE Select); coding-DNA position 2008, G replaced by A.
Protein change: p.Val670Met; replaces valine 670 with methionine.
Molecular consequence: missense variant.
Genome position (GRCh38, 1-based): chrX:68,064,004, C>T on the plus strand (G>A on the coding strand, the complement: OPHN1 is on the minus strand). VCF-style: chrX-68064004-C-T. GRCh37 (hg19) VCF-style: chrX-67283846-C-T.
Other names: short protein forms V670M.
Identifiers: ClinVar variation 2492755 (VCV002492755.4), dbSNP rs149759545, ClinGen allele CA10436800.
Genomic context (GRCh38, chrX:68,064,004, plus strand): 5'-TGGTGGCCTTTGGGGTGATCTTGGTCCCTCCATCCTGCAGCCTAGACACCAACTTCCCCA[C>T]GTCCACCTCTGGGCAGGGCTCCAACTTGCCATCCAAAATAGGCCTGCTTGGGGACTTCCT-3'
Protein context (NP_002538.1, residues 660-680): GKLEPCPEVD[Val670Met]GKLVSRLQDG

ClinVar aggregate classification (germline): Uncertain significance. Review status: criteria provided, multiple submitters, no conflicts (2 of 4 stars). 2 submissions from 2 submitters: Uncertain significance (2). Last evaluated 2024-09-09.

Conditions:
Inborn genetic diseases. Identifiers: MedGen C0950123, MeSH D030342.

Allele frequency attached by ClinVar (database versions not stated): ExAC 0.00001; gnomAD 0.00002; TOPMed 0.00004; ESP Exome Variant Server 0.00019.
gnomAD v4.1: 7 of 1,207,463 alleles (0.00058%); highest among the groups gnomAD compares: African/African-American, 0.0071%; no homozygotes.

Submissions (2):

Labcorp Genetics (formerly Invitae), Labcorp
Classification: Uncertain significance. Last evaluated: 2024-09-09. Review status: criteria provided, single submitter. Criteria: Invitae Variant Classification Sherloc (09022015). Collection method: clinical testing. Allele origin: germline.
Comment: This sequence change replaces valine, which is neutral and non-polar, with methionine, which is neutral and non-polar, at codon 670 of the OPHN1 protein (p.Val670Met). The frequency data for this variant in the population databases is considered unreliable, as metrics indicate poor data quality at this position in the gnomAD database. This variant has not been reported in the literature in individuals affected with OPHN1-related conditions. ClinVar contains an entry for this variant (Variation ID: 2492755). An algorithm developed to predict the effect of missense changes on protein structure and function outputs the following: PolyPhen-2: "Benign". The methionine amino acid residue is found in multiple mammalian species, which suggests that this missense change does not adversely affect protein function. In summary, the available evidence is currently insufficient to determine the role of this variant in disease. Therefore, it has been classified as a Variant of Uncertain Significance.

Ambry Genetics
Classification: Uncertain significance for Inborn genetic diseases. Last evaluated: 2023-03-01. Review status: criteria provided, single submitter. Criteria: Ambry Variant Classification Scheme 2023. Collection method: clinical testing. Allele origin: germline.